The following is an entry in ClinVar:

ClinVar aggregate classification (germline): Uncertain significance (1 of 4 stars; one submission).

Conditions:
Cardiovascular phenotype. Identifiers: MedGen CN230736.

Submission:

Ambry Genetics
Classification: Uncertain significance for Cardiovascular phenotype. Last evaluated: 2025-12-10. Review status: criteria provided, single submitter. Criteria: Ambry Variant Classification Scheme 2023. Collection method: clinical testing. Allele origin: germline.
Comment: The p.K127Q variant (also known as c.379A>C), located in coding exon 4 of the ABCA1 gene, results from an A to C substitution at nucleotide position 379. The lysine at codon 127 is replaced by glutamine, an amino acid with similar properties. This amino acid position is conserved. In addition, this alteration is predicted to be tolerated by in silico analysis. Based on the available evidence, the clinical significance of this variant remains unclear.

NM_005502.4(ABCA1):c.379A>C (p.Lys127Gln)

Gene: ABCA1 (ATP binding cassette subfamily A member 1; minus strand). Cytogenetic location: 9q31.1.
Variant type: single nucleotide variant.
Coding change: c.379A>C on transcript NM_005502.4 (MANE Select); coding-DNA position 379, A replaced by C.
Protein change: p.Lys127Gln; replaces lysine 127 with glutamine.
Molecular consequence: missense variant.
Genome position (GRCh38, 1-based): chr9:104,883,081, T>G on the plus strand (A>C on the coding strand, the complement: ABCA1 is on the minus strand). VCF-style: chr9-104883081-T-G. GRCh37 (hg19) VCF-style: chr9-107645362-T-G.
Other names: short protein forms K127Q.
Identifiers: ClinVar variation 4613295 (VCV004613295.1).